The following is an entry in ClinVar:

ClinVar aggregate classification (germline): Uncertain significance (1 of 4 stars; one submission).

Conditions:
CEP164-related disorder. Also called: CEP164-related condition.

Submission:

PreventionGenetics, part of Exact Sciences
Classification: Uncertain significance for CEP164-related condition. Last evaluated: 2026-03-25. Review status: criteria provided, single submitter. Criteria: ACMG Guidelines, 2015. Collection method: clinical testing. Allele origin: germline.
Comment: The CEP164 c.2610A>T variant is predicted to result in the amino acid substitution p.Glu870Asp. To our knowledge, this variant has not been reported in the literature or in a large population database (gnomAD), indicating this variant is rare. At this time, the clinical significance of this variant is uncertain due to the absence of conclusive functional and genetic evidence.

NM_014956.5(CEP164):c.2610A>T (p.Glu870Asp)

Gene: CEP164 (centrosomal protein 164; plus strand). Cytogenetic location: 11q23.3.
Variant type: single nucleotide variant.
Coding change: c.2610A>T on transcript NM_014956.5 (MANE Select); coding-DNA position 2610, A replaced by T.
Protein change: p.Glu870Asp; replaces glutamic acid 870 with aspartic acid.
Molecular consequence: missense variant.
Genome position (GRCh38, 1-based): chr11:117,393,120, A>T. VCF-style: chr11-117393120-A-T. GRCh37 (hg19) VCF-style: chr11-117263836-A-T.
Other names: c.2619A>T, p.Glu873Asp (NM_001271933.2, NM_001440949.1); c.2610A>T, p.Glu870Asp (NM_001440950.1, NM_001440951.1, NM_001440953.1); c.2445A>T, p.Glu815Asp (NM_001440952.1, NM_001440968.1, NM_001440969.1); c.2532A>T, p.Glu844Asp (NM_001440954.1, NM_001440955.1, NM_001440958.1 and 1 more transcripts); c.2523A>T, p.Glu841Asp (NM_001440956.1, NM_001440957.1); c.2481A>T, p.Glu827Asp (NM_001440960.1); c.2472A>T, p.Glu824Asp (NM_001440961.1, NM_001440967.1); c.2463A>T, p.Glu821Asp (NM_001440962.1, NM_001440963.1, NM_001440964.1 and 4 more transcripts); and 7 more; short protein forms E745D, E751D, E827D, E844D, E870D, E774D, E800D, E824D.
Identifiers: ClinVar variation 4995275 (VCV004995275.1).
Genomic context (GRCh38, chr11:117,393,120, plus strand): 5'-GTTGGACAAGATGAAGGAGGAGCACCAGCAAGTGATGGCTAAGGCCAGAGAGCAGTATGA[A>T]GCTGAGGTAGCTCAGCCACATCCCCTGCGCGCATGCACACACATGCACACACACATGCAC-3'
Protein context (NP_055771.4, residues 860-880): QVMAKAREQY[Glu870Asp]AEERKQRAEL